The following is an entry in ClinVar:

NM_207361.6(FREM2):c.5428dup (p.Arg1810fs)

Gene: FREM2 (FRAS1 related extracellular matrix 2; plus strand). Cytogenetic location: 13q13.3.
Variant type: Duplication.
Coding change: c.5428dup on transcript NM_207361.6 (MANE Select); coding-DNA position 5428, one base duplicated (A; older notation c.5428dupA).
Protein change: p.Arg1810fs; shifts the reading frame from arginine 1810.
Molecular consequence: frameshift variant.
Genome position (GRCh38, 1-based): chr13:38,769,595, A duplicated. VCF-style (leftmost placement, unchanged base first): chr13-38769594-C-CA. GRCh37 (hg19) VCF-style: chr13-39343731-C-CA.
Other names: short protein forms R1810fs.
Identifiers: ClinVar variation 2860185 (VCV002860185.3), dbSNP rs2541427804, ClinGen allele CA2739277550.

ClinVar aggregate classification (germline): Pathogenic (1 of 4 stars; one submission).

Submission:

Labcorp Genetics (formerly Invitae), Labcorp
Classification: Pathogenic. Last evaluated: 2023-04-28. Review status: criteria provided, single submitter. Criteria: Invitae Variant Classification Sherloc (09022015). Collection method: clinical testing. Allele origin: germline.
Comment: This variant has not been reported in the literature in individuals affected with FREM2-related conditions. For these reasons, this variant has been classified as Pathogenic. This variant is not present in population databases (gnomAD no frequency). This sequence change creates a premature translational stop signal (p.Arg1810Lysfs*35) in the FREM2 gene. It is expected to result in an absent or disrupted protein product. Loss-of-function variants in FREM2 are known to be pathogenic (PMID: 18203166, 26552811).

Literature cited by the submitters: PubMed 18203166; PubMed 26552811.